The following is an entry in ClinVar:

NM_002519.3(NPAT):c.448CCT[1] (p.Pro151del)

Gene: NPAT (nuclear protein, coactivator of histone transcription; minus strand). Cytogenetic location: 11q22.3.
Variant type: Microsatellite.
Coding change: c.448CCT[1] on transcript NM_002519.3 (MANE Select); one copy of the 3-base unit CCT starting at c.448; the reference has two copies in a row; one copy, 3 bases deleted.
Protein change: p.Pro151del; deletes proline 151.
Molecular consequence: inframe deletion.
Genome position (GRCh38, 1-based): chr11:108,189,209-108,189,211, AGG deleted on the plus strand (CCT on the coding strand, the reverse complement: NPAT is on the minus strand); deleting any 3 consecutive bases within chr11:108,189,209-108,189,216 gives the same sequence; the position shown is the placement nearest the transcript's 3' end. VCF-style (leftmost placement, unchanged base first): chr11-108189208-AAGG-A. GRCh37 (hg19) VCF-style: chr11-108059935-AAGG-A.
Other names: c.448CCT[1], p.Pro151del (NM_001321307.1); short protein forms P151del.
Identifiers: ClinVar variation 2871936 (VCV002871936.3), dbSNP rs1293411143, ClinGen allele CA601956118.
Genomic context (GRCh38, chr11:108,189,208, plus strand): 5'-AATATGACCTCGATGGATCTGAAATTTGGCCACTTGGTCGAGTAACCTGTGTACCTGTGG[AAGG>A]AGGAGTGGTAAACTGTCCTGAAAGGTAAGGTAAAGTGAGCAACTCTGCACTGGCTGGAGC-3'

ClinVar aggregate classification (germline): Uncertain significance (1 of 4 stars; one submission).

Submission:

Labcorp Genetics (formerly Invitae), Labcorp
Classification: Uncertain significance. Last evaluated: 2024-01-29. Review status: criteria provided, single submitter. Criteria: Invitae Variant Classification Sherloc (09022015). Collection method: clinical testing. Allele origin: germline.
Comment: This variant, c.451_453del, results in the deletion of 1 amino acid(s) of the NPAT protein (p.Pro151del), but otherwise preserves the integrity of the reading frame. This variant is present in population databases (no rsID available, gnomAD 0.006%). This variant has not been reported in the literature in individuals affected with NPAT-related conditions. In summary, the available evidence is currently insufficient to determine the role of this variant in disease. Therefore, it has been classified as a Variant of Uncertain Significance.